The following is an entry in ClinVar:

ClinVar aggregate classification (germline): Uncertain significance (1 of 4 stars; one submission).

Conditions:
Dilated cardiomyopathy 1G (CMD1G). Identifiers: Orphanet 154, MedGen C1858763, MONDO:0011400, OMIM 604145.
Autosomal recessive limb-girdle muscular dystrophy type 2J (LGMDR10). Also called: Limb-girdle muscular dystrophy, type 2J; MUSCULAR DYSTROPHY, LIMB-GIRDLE, AUTOSOMAL RECESSIVE 10. Identifiers: Orphanet 140922, MedGen C1837342, MONDO:0012127, OMIM 608807.

Submission:

Labcorp Genetics (formerly Invitae), Labcorp
Classification: Uncertain significance for Dilated cardiomyopathy 1G; Autosomal recessive limb-girdle muscular dystrophy type 2J. Last evaluated: 2023-12-20. Review status: criteria provided, single submitter. Criteria: Invitae Variant Classification Sherloc (09022015). Collection method: clinical testing. Allele origin: germline.
Comment: This sequence change replaces lysine, which is basic and polar, with methionine, which is neutral and non-polar, at codon 35068 of the TTN protein (p.Lys35068Met). This variant is not present in population databases (gnomAD no frequency). This variant has not been reported in the literature in individuals affected with TTN-related conditions. Experimental studies and prediction algorithms are not available or were not evaluated, and the functional significance of this variant is currently unknown. This variant is located in the M band of TTN (PMID: 25589632). Non-truncating variants in this region may be relevant for neuromuscular disorders, but have not been definitively shown to cause cardiomyopathy (PMID: 23975875). In summary, the available evidence is currently insufficient to determine the role of this variant in disease. Therefore, it has been classified as a Variant of Uncertain Significance.

Literature cited by the submitters: PubMed 25589632; PubMed 23975875.

NM_001267550.2(TTN):c.105203A>T (p.Lys35068Met)

Genes: TTN-AS1 (TTN antisense RNA 1; plus strand), TTN (titin; minus strand). Cytogenetic location: 2q31.2.
Variant type: single nucleotide variant.
Coding change: c.105203A>T on transcript NM_001267550.2 (MANE Select); coding-DNA position 105203, A replaced by T.
Protein change: p.Lys35068Met; replaces lysine 35068 with methionine.
Molecular consequence: missense variant.
Genome position (GRCh38, 1-based): chr2:178,531,412, T>A on the plus strand (A>T on the coding strand, the complement: TTN is on the minus strand). VCF-style: chr2-178531412-T-A. GRCh37 (hg19) VCF-style: chr2-179396139-T-A.
Other names: c.100280A>T, p.Lys33427Met (NM_001256850.1); c.78008A>T, p.Lys26003Met (NM_003319.4); c.97499A>T, p.Lys32500Met (NM_133378.4); c.78383A>T, p.Lys26128Met (NM_133432.3); c.78584A>T, p.Lys26195Met (NM_133437.4); short protein forms K26128M, K32500M, K26003M, K33427M, K26195M, K35068M.
Identifiers: ClinVar variation 2921580 (VCV002921580.3), dbSNP rs1387560309, ClinGen allele CA349409274.